The following is an entry in ClinVar:

NM_021072.4(HCN1):c.1981A>T (p.Arg661Trp)

Gene: HCN1 (hyperpolarization activated cyclic nucleotide gated potassium channel 1; minus strand). Cytogenetic location: 5p12.
Variant type: single nucleotide variant.
Coding change: c.1981A>T on transcript NM_021072.4 (MANE Select); coding-DNA position 1981, A replaced by T.
Protein change: p.Arg661Trp; replaces arginine 661 with tryptophan.
Molecular consequence: missense variant.
Genome position (GRCh38, 1-based): chr5:45,262,613, T>A on the plus strand (A>T on the coding strand, the complement: HCN1 is on the minus strand). VCF-style: chr5-45262613-T-A. GRCh37 (hg19) VCF-style: chr5-45262715-T-A.
Other names: short protein forms R661W.
Identifiers: ClinVar variation 2724380 (VCV002724380.3), dbSNP rs1744772554, ClinGen allele CA359704296.

ClinVar aggregate classification (germline): Uncertain significance (1 of 4 stars; one submission).

Conditions:
Early-infantile DEE. Also called: Early infantile epileptic encephalopathy; Early infantile epileptic encephalopathy with suppression bursts; Ohtahara syndrome. Identifiers: Orphanet 1934, MedGen C0393706, MONDO:0800491.

Allele frequency attached by ClinVar (database versions not stated): gnomAD exomes 0.00001; TOPMed 0.00001.
gnomAD v4.1: 11 of 1,613,912 alleles (0.00068%); highest among the groups gnomAD compares: Non-Finnish European, 0.00093%; no homozygotes.

Submission:

Labcorp Genetics (formerly Invitae), Labcorp
Classification: Uncertain significance for Early-infantile DEE. Last evaluated: 2024-12-30. Review status: criteria provided, single submitter. Criteria: Invitae Variant Classification Sherloc (09022015). Collection method: clinical testing. Allele origin: germline.
Comment: This sequence change replaces arginine, which is basic and polar, with tryptophan, which is neutral and slightly polar, at codon 661 of the HCN1 protein (p.Arg661Trp). This variant is not present in population databases (gnomAD no frequency). This variant has not been reported in the literature in individuals affected with HCN1-related conditions. ClinVar contains an entry for this variant (Variation ID: 2724380). Invitae Evidence Modeling of protein sequence and biophysical properties (such as structural, functional, and spatial information, amino acid conservation, physicochemical variation, residue mobility, and thermodynamic stability) indicates that this missense variant is not expected to disrupt HCN1 protein function with a negative predictive value of 95%. In summary, the available evidence is currently insufficient to determine the role of this variant in disease. Therefore, it has been classified as a Variant of Uncertain Significance.